The following is an entry in ClinVar:

ClinVar aggregate classification (germline): Uncertain significance (1 of 4 stars; one submission).

Conditions:
Pitt-Hopkins-like syndrome 2 (PTHSL2). Identifiers: Orphanet 221150, Orphanet 600663, MedGen C3280479, MONDO:0013690, OMIM 614325.

Allele frequency attached by ClinVar (database versions not stated): gnomAD exomes below 0.00001.
gnomAD v4.1: 1 of 1,612,180 alleles (0.000062%); highest among the groups gnomAD compares: Non-Finnish European, 0.000085%; no homozygotes.

Submission:

Labcorp Genetics (formerly Invitae), Labcorp
Classification: Uncertain significance for Pitt-Hopkins-like syndrome 2. Last evaluated: 2020-11-06. Review status: criteria provided, single submitter. Criteria: Invitae Variant Classification Sherloc (09022015). Collection method: clinical testing. Allele origin: germline.
Comment: This sequence change replaces serine with threonine at codon 1078 of the NRXN1 protein (p.Ser1078Thr). The serine residue is highly conserved and there is a small physicochemical difference between serine and threonine. This variant is not present in population databases (ExAC no frequency). In summary, the available evidence is currently insufficient to determine the role of this variant in disease. Therefore, it has been classified as a Variant of Uncertain Significance. Algorithms developed to predict the effect of missense changes on protein structure and function (SIFT, PolyPhen-2, Align-GVGD) all suggest that this variant is likely to be tolerated, but these predictions have not been confirmed by published functional studies and their clinical significance is uncertain. This variant has not been reported in the literature in individuals with NRXN1-related conditions.

NM_001330078.2(NRXN1):c.3112T>A (p.Ser1038Thr)

Gene: NRXN1 (neurexin 1; minus strand). Cytogenetic location: 2p16.3.
Variant type: single nucleotide variant.
Coding change: c.3112T>A on transcript NM_001330078.2 (MANE Select); coding-DNA position 3112, T replaced by A.
Protein change: p.Ser1038Thr; replaces serine 1038 with threonine.
Molecular consequence: missense variant.
Genome position (GRCh38, 1-based): chr2:50,472,430, A>T on the plus strand (T>A on the coding strand, the complement: NRXN1 is on the minus strand). VCF-style: chr2-50472430-A-T. GRCh37 (hg19) VCF-style: chr2-50699568-A-T.
Other names: c.3232T>A, p.Ser1078Thr (NM_001135659.3); c.3088T>A, p.Ser1030Thr (NM_001330077.2, NM_001330082.2); c.3046T>A, p.Ser1016Thr (NM_001330083.2, NM_001330084.2); c.3085T>A, p.Ser1029Thr (NM_001330085.2); c.3112T>A, p.Ser1038Thr (NM_001330086.2, NM_004801.6); c.3001T>A, p.Ser1001Thr (NM_001330087.2, NM_001330096.2); c.3031T>A, p.Ser1011Thr (NM_001330088.2); c.3109T>A, p.Ser1037Thr (NM_001330093.2); and 2 more; short protein forms S1016T, S1030T, S1034T, S1021T, S1011T, S1029T, S1038T, S1078T.
Identifiers: ClinVar variation 1482298 (VCV001482298.8), dbSNP rs2089576800, ClinGen allele CA346772636.